The following is an entry in ClinVar:

NM_206933.4(USH2A):c.7028G>A (p.Arg2343Gln)

Gene: USH2A (usherin; minus strand). Cytogenetic location: 1q41.
Variant type: single nucleotide variant.
Coding change: c.7028G>A on transcript NM_206933.4 (MANE Select); coding-DNA position 7028, G replaced by A.
Protein change: p.Arg2343Gln; replaces arginine 2343 with glutamine.
Molecular consequence: missense variant.
Genome position (GRCh38, 1-based): chr1:215,965,409, C>T on the plus strand (G>A on the coding strand, the complement: USH2A is on the minus strand). VCF-style: chr1-215965409-C-T. GRCh37 (hg19) VCF-style: chr1-216138751-C-T.
Other names: short protein forms R2343Q.
Identifiers: ClinVar variation 1800611 (VCV001800611.4), dbSNP rs150318738, ClinGen allele CA1394965.

ClinVar aggregate classification (germline): Uncertain significance. Review status: criteria provided, multiple submitters, no conflicts (2 of 4 stars). 4 submissions from 3 submitters: Uncertain significance (4). Last evaluated 2023-11-04.

Conditions:
Retinitis pigmentosa 39 (RP39). Identifiers: Orphanet 791, MedGen C3151138, MONDO:0013436, OMIM 613809.
Usher syndrome type 2A. Also called: RETINAL DISEASE IN USHER SYNDROME TYPE IIA, MODIFIER OF; USHER SYNDROME, TYPE IIA. Identifiers: Orphanet 231178, Orphanet 886, MedGen C1848634, MONDO:0010169, OMIM 276901.

Allele frequency attached by ClinVar (database versions not stated): gnomAD exomes 0.00001; ExAC 0.00002; gnomAD 0.00002; TOPMed 0.00002; ESP Exome Variant Server 0.00008.
gnomAD v4.1: 10 of 1,613,662 alleles (0.00062%); highest among the groups gnomAD compares: East Asian, 0.0022%; no homozygotes.

Submissions (4):

Genome-Nilou Lab
Classification: Uncertain significance for Retinitis pigmentosa 39. Last evaluated: 2023-11-04. Review status: criteria provided, single submitter. Criteria: ACMG Guidelines, 2015. Collection method: clinical testing. Allele origin: germline. Affected: no.

Genome-Nilou Lab
Classification: Uncertain significance for Usher syndrome type 2A. Last evaluated: 2023-11-04. Review status: criteria provided, single submitter. Criteria: ACMG Guidelines, 2015. Collection method: clinical testing. Allele origin: germline. Affected: no.

Labcorp Genetics (formerly Invitae), Labcorp
Classification: Uncertain significance. Last evaluated: 2022-09-10. Review status: criteria provided, single submitter. Criteria: Invitae Variant Classification Sherloc (09022015). Collection method: clinical testing. Allele origin: germline.
Comment: This sequence change replaces arginine, which is basic and polar, with glutamine, which is neutral and polar, at codon 2343 of the USH2A protein (p.Arg2343Gln). This variant is present in population databases (rs150318738, gnomAD 0.007%). This variant has not been reported in the literature in individuals affected with USH2A-related conditions. Advanced modeling of protein sequence and biophysical properties (such as structural, functional, and spatial information, amino acid conservation, physicochemical variation, residue mobility, and thermodynamic stability) performed at Invitae indicates that this missense variant is not expected to disrupt USH2A protein function. In summary, the available evidence is currently insufficient to determine the role of this variant in disease. Therefore, it has been classified as a Variant of Uncertain Significance.

GeneDx
Classification: Uncertain significance. Last evaluated: 2022-05-16. Review status: criteria provided, single submitter. Criteria: GeneDx Variant Classification Process June 2021. Collection method: clinical testing. Allele origin: germline. Affected: yes.
Comment: Not observed at significant frequency in large population cohorts (gnomAD); In silico analysis supports that this missense variant does not alter protein structure/function; Has not been previously published as pathogenic or benign to our knowledge